The following is an entry in ClinVar:

NM_001131016.2(CIZ1):c.695C>T (p.Pro232Leu)

Gene: CIZ1 (CDKN1A interacting zinc finger protein 1; minus strand). Cytogenetic location: 9q34.11.
Variant type: single nucleotide variant.
Coding change: c.695C>T on transcript NM_001131016.2 (MANE Select); coding-DNA position 695, C replaced by T.
Protein change: p.Pro232Leu; replaces proline 232 with leucine.
Molecular consequence: missense variant.
Genome position (GRCh38, 1-based): chr9:128,180,511, G>A on the plus strand (C>T on the coding strand, the complement: CIZ1 is on the minus strand). VCF-style: chr9-128180511-G-A. GRCh37 (hg19) VCF-style: chr9-130942790-G-A.
Other names: c.695C>T, p.Pro232Leu (NM_001131015.2, NM_012127.3); c.680C>T, p.Pro227Leu (NM_001131017.2); c.623C>T, p.Pro208Leu (NM_001131018.2); c.785C>T, p.Pro262Leu (NM_001257975.2); c.392C>T, p.Pro131Leu (NM_001257976.2); short protein forms P131L, P208L, P232L, P262L, P227L.
Identifiers: ClinVar variation 2721181 (VCV002721181.3), dbSNP rs772927867, ClinGen allele CA5257488.
Genomic context (GRCh38, chr9:128,180,511, plus strand): 5'-CAAGGCTCAGGCTCAGGTGCTGGAGTGCGTTTTTCCTTGGCGATGTCCTCTGGGCAGGGC[G>A]GTAAATCTTGGTCTGGAATGGAGGCATGAGCGAGGGAACTCATGTTGGGAAGAGCAAGCA-3'
Protein context (NP_001124488.1, residues 222-242): RMDTPEDQDL[Pro232Leu]PCPEDIAKEK

ClinVar aggregate classification (germline): Uncertain significance (1 of 4 stars; one submission).

Conditions:
Dystonic disorder. Also called: Dystonia. Identifiers: MedGen C0013421, MONDO:0003441, HP:0001332.

Allele frequency attached by ClinVar (database versions not stated): TOPMed 0.00001; ExAC 0.00001.
gnomAD v4.1: 13 of 1,613,760 alleles (0.00081%); highest among the groups gnomAD compares: South Asian, 0.0066%; no homozygotes.

Submission:

Labcorp Genetics (formerly Invitae), Labcorp
Classification: Uncertain significance for Dystonic disorder. Last evaluated: 2025-07-31. Review status: criteria provided, single submitter. Criteria: Invitae Variant Classification Sherloc (09022015). Collection method: clinical testing. Allele origin: germline.
Comment: This sequence change replaces proline, which is neutral and non-polar, with leucine, which is neutral and non-polar, at codon 232 of the CIZ1 protein (p.Pro232Leu). This variant is present in population databases (rs772927867, gnomAD 0.003%). This variant has not been reported in the literature in individuals affected with CIZ1-related conditions. ClinVar contains an entry for this variant (Variation ID: 2721181). An algorithm developed to predict the effect of missense changes on protein structure and function outputs the following: PolyPhen-2: "Benign". The leucine amino acid residue is found in multiple mammalian species, which suggests that this missense change does not adversely affect protein function. In summary, the available evidence is currently insufficient to determine the role of this variant in disease. Therefore, it has been classified as a Variant of Uncertain Significance.